The following is an entry in ClinVar:

ClinVar aggregate classification (germline): Conflicting classifications of pathogenicity. Review status: criteria provided, conflicting classifications (1 of 4 stars). 3 submissions from 3 submitters: Likely pathogenic (1); Uncertain significance (2). Last evaluated 2026-01-06.

Conditions:
Inborn genetic diseases. Identifiers: MedGen C0950123, MeSH D030342.

Allele frequency attached by ClinVar (database versions not stated): gnomAD 0.00001; TOPMed 0.00002.
gnomAD v4.1: 11 of 1,609,346 alleles (0.00068%); highest among the groups gnomAD compares: Non-Finnish European, 0.00093%; no homozygotes.

Submissions (3):

GeneDx
Classification: Likely pathogenic. Last evaluated: 2026-01-06. Review status: criteria provided, single submitter. Criteria: GeneDx Variant Classification Process June 2021. Collection method: clinical testing. Allele origin: germline.
Comment: Has not been previously published as pathogenic or benign to our knowledge; In silico analysis supports that this missense variant has a deleterious effect on protein structure/function; Not observed at significant frequency in large population cohorts (gnomAD)

Ambry Genetics
Classification: Uncertain significance for Inborn genetic diseases. Last evaluated: 2024-11-22. Review status: criteria provided, single submitter. Criteria: Ambry Variant Classification Scheme 2023. Collection method: clinical testing. Allele origin: germline.

Labcorp Genetics (formerly Invitae), Labcorp
Classification: Uncertain significance. Last evaluated: 2022-07-23. Review status: criteria provided, single submitter. Criteria: Invitae Variant Classification Sherloc (09022015). Collection method: clinical testing. Allele origin: germline.
Comment: This sequence change replaces glycine, which is neutral and non-polar, with valine, which is neutral and non-polar, at codon 172 of the PYCR1 protein (p.Gly172Val). The frequency data for this variant in the population databases is considered unreliable, as metrics indicate poor data quality at this position in the gnomAD database. This variant has not been reported in the literature in individuals affected with PYCR1-related conditions. Algorithms developed to predict the effect of missense changes on protein structure and function are either unavailable or do not agree on the potential impact of this missense change (SIFT: "Deleterious"; PolyPhen-2: "Possibly Damaging"; Align-GVGD: "Class C15"). In summary, the available evidence is currently insufficient to determine the role of this variant in disease. Therefore, it has been classified as a Variant of Uncertain Significance.

NM_006907.4(PYCR1):c.515G>T (p.Gly172Val)

Gene: PYCR1 (pyrroline-5-carboxylate reductase 1; minus strand). Cytogenetic location: 17q25.3.
Variant type: single nucleotide variant.
Coding change: c.515G>T on transcript NM_006907.4 (MANE Select); coding-DNA position 515, G replaced by T.
Protein change: p.Gly172Val; replaces glycine 172 with valine.
Molecular consequence: missense variant.
Genome position (GRCh38, 1-based): chr17:81,934,951, C>A on the plus strand (G>T on the coding strand, the complement: PYCR1 is on the minus strand). VCF-style: chr17-81934951-C-A. GRCh37 (hg19) VCF-style: chr17-79892827-C-A.
Other names: c.515G>T (NM_006907.2); c.515G>T, p.Gly172Val (NM_001282279.2, NM_001282280.2, NM_001330523.2 and 1 more transcripts); c.596G>T, p.Gly199Val (NM_001282281.2); short protein forms G172V, G199V.
Identifiers: ClinVar variation 1952012 (VCV001952012.5), dbSNP rs774920749, ClinGen allele CA8845424.
Genomic context (GRCh38, chr17:81,934,951, plus strand): 5'-TGCCCGCCGCCGCCAGCTTCCCCCGCAGTCCTTACGTAGGCGGGGCCGCTGCCACTGAGC[C>A]CCGTGACGGCATCAATCAGGTCCTCTTCCACCTCCGTGCAGAAGCCCACGCTGCTCAGCA-3'
Protein context (NP_008838.2, residues 162-182): VEEDLIDAVT[Gly172Val]LSGSGPAYAF